The following is an entry in ClinVar:

NM_198834.3(ACACA):c.6024G>C (p.Val2008=)

Gene: ACACA (acetyl-CoA carboxylase alpha; minus strand). Cytogenetic location: 17q12.
Variant type: single nucleotide variant.
Coding change: c.6024G>C on transcript NM_198834.3 (MANE Select); coding-DNA position 6024, G replaced by C.
Protein change: p.Val2008=; no amino-acid change (valine 2008 retained).
Molecular consequence: synonymous variant.
Genome position (GRCh38, 1-based): chr17:37,125,715, C>G on the plus strand (G>C on the coding strand, the complement: ACACA is on the minus strand). VCF-style: chr17-37125715-C-G. GRCh37 (hg19) VCF-style: chr17-35482636-C-G.
Other names: c.5913G>C, p.Val1971= (NM_198836.3, NM_198839.3); c.5739G>C, p.Val1913= (NM_198837.2); c.5679G>C, p.Val1893= (NM_198838.2).
Identifiers: ClinVar variation 3040867 (VCV003040867.2), dbSNP rs771495558, ClinGen allele CA8514728.

ClinVar aggregate classification (germline): Likely benign (0 of 4 stars; one submission).

Conditions:
ACACA-related disorder. Also called: ACACA-related condition.

Allele frequency attached by ClinVar (database versions not stated): gnomAD exomes below 0.00001; gnomAD 0.00002; TOPMed 0.00002; ExAC 0.00003.
gnomAD v4.1: 5 of 1,613,868 alleles (0.00031%); highest among the groups gnomAD compares: East Asian, 0.0089%; no homozygotes.

Submission:

PreventionGenetics, part of Exact Sciences
Classification: Likely benign for ACACA-related condition. Last evaluated: 2019-09-19. Review status: no assertion criteria provided. Collection method: clinical testing. Allele origin: germline.
Comment: This variant is classified as likely benign based on ACMG/AMP sequence variant interpretation guidelines (Richards et al. 2015 PMID: 25741868, with internal and published modifications).